The following is an entry in ClinVar:

NM_182931.3(KMT2E):c.4810G>A (p.Val1604Met)

Gene: KMT2E (lysine methyltransferase 2E (inactive); plus strand). Cytogenetic location: 7q22.3.
Variant type: single nucleotide variant.
Coding change: c.4810G>A on transcript NM_182931.3 (MANE Select); coding-DNA position 4810, G replaced by A.
Protein change: p.Val1604Met; replaces valine 1604 with methionine.
Molecular consequence: missense variant.
Genome position (GRCh38, 1-based): chr7:105,112,566, G>A. VCF-style: chr7-105112566-G-A. GRCh37 (hg19) VCF-style: chr7-104753013-G-A.
Other names: c.4684G>A, p.Val1562Met (NM_001410908.1); c.4810G>A, p.Val1604Met (NM_018682.4); short protein forms V1562M, V1604M.
Identifiers: ClinVar variation 4807537 (VCV004807537.1).

ClinVar aggregate classification (germline): Uncertain significance (1 of 4 stars; one submission).

gnomAD v4.1: 6 of 1,613,950 alleles (0.00037%); highest among the groups gnomAD compares: Middle Eastern, 0.016%; no homozygotes.

Submission:

Labcorp Genetics (formerly Invitae), Labcorp
Classification: Uncertain significance. Last evaluated: 2025-07-21. Review status: criteria provided, single submitter. Criteria: Invitae Variant Classification Sherloc (09022015). Collection method: clinical testing. Allele origin: germline.
Comment: This sequence change replaces valine, which is neutral and non-polar, with methionine, which is neutral and non-polar, at codon 1604 of the KMT2E protein (p.Val1604Met). This variant is present in population databases (no rsID available, gnomAD 0.003%). This variant has not been reported in the literature in individuals affected with KMT2E-related conditions. An algorithm developed to predict the effect of missense changes on protein structure and function (PolyPhen-2) suggests that this variant is likely to be disruptive. In summary, the available evidence is currently insufficient to determine the role of this variant in disease. Therefore, it has been classified as a Variant of Uncertain Significance.